The following is an entry in ClinVar:

NM_017631.6(DDX60):c.4546G>A (p.Asp1516Asn)

Gene: DDX60 (DExD/H-box helicase 60; minus strand). Cytogenetic location: 4q32.3.
Variant type: single nucleotide variant.
Coding change: c.4546G>A on transcript NM_017631.6 (MANE Select); coding-DNA position 4546, G replaced by A.
Protein change: p.Asp1516Asn; replaces aspartic acid 1516 with asparagine.
Molecular consequence: missense variant.
Genome position (GRCh38, 1-based): chr4:168,225,664, C>T on the plus strand (G>A on the coding strand, the complement: DDX60 is on the minus strand). VCF-style: chr4-168225664-C-T. GRCh37 (hg19) VCF-style: chr4-169146815-C-T.
Other names: c.4546G>A, p.Asp1516Asn (NM_001410861.1); short protein forms D1516N.
Identifiers: ClinVar variation 4083575 (VCV004083575.8).
Genomic context (GRCh38, chr4:168,225,664, plus strand): 5'-AGTCCTCCATAATTTTCATGTTATATTCATCTAAAGCATCACTAAAATCCTCAGGGAGAT[C>T]ATCAAGGAACACCTAGAAGCCGAATAATTTTCATAGAGATAGATCTATTTACCTTCCTTC-3'
Protein context (NP_060101.3, residues 1506-1526): EFYQSKVFLD[Asp1516Asn]LPEDFSDALD

ClinVar aggregate classification (germline): Likely benign (1 of 4 stars; one submission).

Submission:

CeGaT Center for Human Genetics Tuebingen
Classification: Likely benign. Last evaluated: 2025-07-01. Review status: criteria provided, single submitter. Criteria: CeGaT Center For Human Genetics Tuebingen Variant Classification Criteria Version 2. Collection method: clinical testing. Allele origin: germline. Affected: yes. Observed: 1 variant allele.
Comment: DDX60: BP4, BS2